The following is an entry in ClinVar:

ClinVar aggregate classification (germline): Uncertain significance (1 of 4 stars; one submission).

Conditions:
RYR1-related disorder. Also called: RYR1-related condition; RYR1-related disorders. Identifiers: MedGen CN239331.

Submission:

Labcorp Genetics (formerly Invitae), Labcorp
Classification: Uncertain significance for RYR1-related disorder. Last evaluated: 2025-05-21. Review status: criteria provided, single submitter. Criteria: Invitae Variant Classification Sherloc (09022015). Collection method: clinical testing. Allele origin: germline.
Comment: This sequence change replaces alanine, which is neutral and non-polar, with threonine, which is neutral and polar, at codon 3199 of the RYR1 protein (p.Ala3199Thr). This variant is present in population databases (no rsID available, gnomAD 0.007%). This variant has not been reported in the literature in individuals affected with RYR1-related conditions. Invitae Evidence Modeling of protein sequence and biophysical properties (such as structural, functional, and spatial information, amino acid conservation, physicochemical variation, residue mobility, and thermodynamic stability) indicates that this missense variant is not expected to disrupt RYR1 protein function with a negative predictive value of 80%. In summary, the available evidence is currently insufficient to determine the role of this variant in disease. Therefore, it has been classified as a Variant of Uncertain Significance.

NM_000540.3(RYR1):c.9595G>A (p.Ala3199Thr)

Gene: RYR1 (ryanodine receptor 1; plus strand). Cytogenetic location: 19q13.2.
Variant type: single nucleotide variant.
Coding change: c.9595G>A on transcript NM_000540.3 (MANE Select); coding-DNA position 9595, G replaced by A.
Protein change: p.Ala3199Thr; replaces alanine 3199 with threonine.
Molecular consequence: missense variant.
Genome position (GRCh38, 1-based): chr19:38,516,127, G>A. VCF-style: chr19-38516127-G-A. GRCh37 (hg19) VCF-style: chr19-39006767-G-A.
Other names: c.9595G>A, p.Ala3199Thr (NM_001042723.2); short protein forms A3199T.
Identifiers: ClinVar variation 4751654 (VCV004751654.1).